The following is an entry in ClinVar:

NM_004415.4(DSP):c.6397G>A (p.Gly2133Ser)

Gene: DSP (desmoplakin; plus strand). Cytogenetic location: 6p24.3.
Variant type: single nucleotide variant.
Coding change: c.6397G>A on transcript NM_004415.4 (MANE Select); coding-DNA position 6397, G replaced by A.
Protein change: p.Gly2133Ser; replaces glycine 2133 with serine.
Molecular consequence: missense variant.
Genome position (GRCh38, 1-based): chr6:7,583,659, G>A. VCF-style: chr6-7583659-G-A. GRCh37 (hg19) VCF-style: chr6-7583892-G-A.
Other names: p.G2133S:GGT>AGT; c.4600G>A, p.Gly1534Ser (NM_001008844.3); c.5068G>A, p.Gly1690Ser (NM_001319034.2); short protein forms G2133S, G1690S, G1534S.
Identifiers: ClinVar variation 199901 (VCV000199901.36), dbSNP rs372393122, ClinGen allele CA006920.

ClinVar aggregate classification (germline): Conflicting classifications of pathogenicity. Review status: criteria provided, conflicting classifications (1 of 4 stars). 11 submissions from 11 submitters: Uncertain significance (7); Likely benign (1). 3 of the submissions do not count toward it. Last evaluated 2026-01-05.

Conditions:
Lethal acantholytic epidermolysis bullosa (EBLA). Identifiers: Orphanet 158687, MedGen C1864826, MONDO:0012323, OMIM 609638.
Arrhythmogenic cardiomyopathy with wooly hair and keratoderma. Also called: Carvajal syndrome; Dilated cardiomyopathy with woolly hair and keratoderma; Arrhythmogenic cardiomyopathy with woolly hair and keratoderma; PALMOPLANTAR KERATODERMA WITH LEFT VENTRICULAR CARDIOMYOPATHY AND WOOLLY HAIR. Identifiers: Orphanet 65282, MedGen C1854063, MONDO:0011581, OMIM 605676.
Keratosis palmoplantaris striata 2. Also called: KERATODERMA, PALMOPLANTAR, STRIATE FORM II; STRIATE PALMOPLANTAR KERATODERMA II; Keratosis palmoplantaris striata II. Identifiers: MedGen C1852127, MONDO:0013034, OMIM 612908.
Arrhythmogenic right ventricular dysplasia 8 (ARVD8). Also called: Arrhythmogenic Right Ventricular Dysplasia/Cardiomyopathy 8; ARRHYTHMOGENIC RIGHT VENTRICULAR CARDIOMYOPATHY 8; ARRHYTHMOGENIC RIGHT VENTRICULAR DYSPLASIA, FAMILIAL, 8. Identifiers: MedGen C1843896, MONDO:0011831, OMIM 607450.
Cardiomyopathy, dilated, with wooly hair, keratoderma, and tooth agenesis. Also called: Cardiomyopathy, dilated, with woolly hair, keratoderma, and tooth agenesis; Erythrokeratodermia-cardiomyopathy syndrome. Identifiers: Orphanet 476096, Orphanet 65282, MedGen C4014393, MONDO:0014355, OMIM 615821.
Woolly hair-skin fragility syndrome (WHSF). Identifiers: Orphanet 293165, MedGen C1843292, MONDO:0957307, OMIM 620415.
Cardiovascular phenotype. Identifiers: MedGen CN230736.
Cardiomyopathy (CMYO). Also called: Cardiomyopathies. Identifiers: Orphanet 167848, MedGen C0878544, MONDO:0004994, HP:0001638. Inheritance: Various modes of inheritance.
Left ventricular noncompaction cardiomyopathy. Also called: left ventricular non-compaction cardiomyopathy. Identifiers: MedGen C4021133, HP:0011664.

Allele frequency attached by ClinVar (database versions not stated): gnomAD 0.00002 and 0.00003; TOPMed 0.00002.
gnomAD v4.1: 18 of 1,613,924 alleles (0.0011%); highest among the groups gnomAD compares: East Asian, 0.022%; no homozygotes.

Submissions (11):

Labcorp Genetics (formerly Invitae), Labcorp
Classification: Likely benign for Arrhythmogenic cardiomyopathy with wooly hair and keratoderma; Arrhythmogenic right ventricular dysplasia 8. Last evaluated: 2026-01-05. Review status: criteria provided, single submitter. Criteria: Invitae Variant Classification Sherloc (09022015). Collection method: clinical testing. Allele origin: germline.

Ambry Genetics
Classification: Uncertain significance for Cardiovascular phenotype. Last evaluated: 2025-10-28. Review status: criteria provided, single submitter. Criteria: Ambry Variant Classification Scheme 2023. Collection method: clinical testing. Allele origin: germline.
Comment: The p.G2133S variant (also known as c.6397G>A), located in coding exon 24 of the DSP gene, results from a G to A substitution at nucleotide position 6397. The glycine at codon 2133 is replaced by serine, an amino acid with similar properties. This variant has been detected in a dilated cardiomyopathy genetic testing cohort (Mazzarotto F et al. Circulation. 2020 Feb;141(5):387-398). This amino acid position is highly conserved in available vertebrate species. In addition, this alteration is predicted to be deleterious by in silico analysis. Since supporting evidence is limited at this time, the clinical significance of this alteration remains unclear.

Color Diagnostics, LLC DBA Color Health
Classification: Uncertain significance for Cardiomyopathy. Last evaluated: 2023-11-09. Review status: criteria provided, single submitter. Criteria: ACMG Guidelines, 2015. Collection method: clinical testing. Allele origin: germline.
Comment: This missense variant replaces glycine with serine at codon 2133 of the DSP protein. Computational prediction suggests that this variant may have deleterious impact on protein structure and function (internally defined REVEL score threshold >= 0.7, PMID: 27666373). To our knowledge, functional studies have not been reported for this variant. This variant has been reported in an individual affected with dilated cardiomyopathy (PMID: 31983221). This variant has been identified in 9/282650 chromosomes in the general population by the Genome Aggregation Database (gnomAD). The available evidence is insufficient to determine the role of this variant in disease conclusively. Therefore, this variant is classified as a Variant of Uncertain Significance.

GeneDx
Classification: Uncertain significance. Last evaluated: 2023-05-09. Review status: criteria provided, single submitter. Criteria: GeneDx Variant Classification Process June 2021. Collection method: clinical testing. Allele origin: germline. Affected: yes.
Comment: Has not been previously published as pathogenic or benign to our knowledge; In silico analysis supports that this missense variant has a deleterious effect on protein structure/function

Fulgent Genetics
Classification: Uncertain significance for Arrhythmogenic cardiomyopathy with wooly hair and keratoderma; Arrhythmogenic right ventricular dysplasia 8; Lethal acantholytic epidermolysis bullosa; Keratosis palmoplantaris striata 2; Cardiomyopathy, dilated, with wooly hair, keratoderma, and tooth agenesis. Last evaluated: 2021-08-24. Review status: criteria provided, single submitter. Criteria: ACMG Guidelines, 2015. Collection method: clinical testing. Allele origin: unknown.

Women's Health and Genetics/Laboratory Corporation of America, LabCorp
Classification: Uncertain significance. Last evaluated: 2018-01-25. Review status: criteria provided, single submitter. Criteria: LabCorp Variant Classification Summary - May 2015. Collection method: clinical testing. Allele origin: germline.
Comment: Variant summary: The DSP c.6397G>A (p.Gly2133Ser) variant involves the alteration of a conserved nucleotide located at the Plectin repeat domain of the protein (InterPro). 3/3 in silico tools predict a damaging outcome for this variant (SNPsandGO not captured due to low reliability index, Polyphen not accessible at the time of evaluation). This variant was found in 9/276996 control chromosomes, predominantly observed in the East Asian subpopulation at a frequency of 0.000424 (8/18860). This frequency is about 2 times the estimated maximal expected allele frequency of a pathogenic DSP variant (0.0002), suggesting this is possibly a benign polymorphism found primarily in the populations of East Asian origin. Although the gnomAD dataset possibly includes cardio patients, thus this frequency needs to be taken with caution. The variant of interest has not, to our knowledge, been reported in affected individuals via publications and/or reputable databases/clinical diagnostic laboratories; nor evaluated for functional impact by in vivo/vitro studies. In addition, multiple clinical diagnostic laboratories/reputable databases classified this variant as uncertain significance. Because of the absence of clinical information and the lack of functional studies, the variant is classified as a VUS-possibly benign until additional information becomes available.

Laboratory for Molecular Medicine, Mass General Brigham Personalized Medicine
Classification: Uncertain significance. Last evaluated: 2015-12-10. Review status: criteria provided, single submitter. Criteria: LMM Criteria. Collection method: clinical testing. Allele origin: germline. Observed: 1 variant allele.
Comment: The p.Gly2133Ser variant in DSP has not been previously reported in individuals with cardiomyopathy, but has been identified in 4/8620 East Asian chromosomes by the Exome Aggregation Consortium (ExAC; dbSNP r s372393122). Computational prediction tools and conservation analysis suggest th at the p.Gly2133Ser variant may impact the protein, though this information is n ot predictive enough to determine pathogenicity. In summary, the clinical signif icance of the p.Gly2133Ser variant is uncertain.

Center for Genomics, Ann and Robert H. Lurie Children's Hospital of Chicago
Classification: Uncertain significance for Arrhythmogenic right ventricular dysplasia 8; Lethal acantholytic epidermolysis bullosa; Keratosis palmoplantaris striata 2; Cardiomyopathy, dilated, with wooly hair, keratoderma, and tooth agenesis; Arrhythmogenic cardiomyopathy with wooly hair and keratoderma. Review status: criteria provided, single submitter. Criteria: ACMG Guidelines, 2015. Collection method: clinical testing. Allele origin: germline.
Comment: DSP NM_004415.3 exon 24 p.Gly2133Ser (c.6397G>A): This variant has not been reported in the literature but is present in 8/18860 East Asian alleles in the Genome Aggregation Database. This variant is present in ClinVar (Variation ID:199901). Evolutionary conservation and computational predictive tools for this variant are unclear. In summary, data on this variant is insufficient for disease classification. Therefore, the clinical significance of this variant is uncertain.

Clinical Molecular Genetics Laboratory, Johns Hopkins All Children's Hospital
Classification: Uncertain significance for Left ventricular noncompaction cardiomyopathy. Last evaluated: 2016-03-22. Review status: no assertion criteria provided. Collection method: clinical testing. Allele origin: germline. Affected: yes. Not counted in ClinVar's aggregate classification.

Clinical Genetics, Academic Medical Center
Classification: Uncertain significance. Review status: no assertion criteria provided. Collection method: clinical testing. Allele origin: germline. Affected: yes. Study: VKGL Data-share Consensus. Not counted in ClinVar's aggregate classification.

Diagnostic Laboratory, Department of Genetics, University Medical Center Groningen
Classification: Uncertain significance. Review status: no assertion criteria provided. Collection method: clinical testing. Allele origin: germline. Affected: yes. Study: VKGL Data-share Consensus. Not counted in ClinVar's aggregate classification.

Literature cited by the submitters: PubMed 31983221 (cited by Ambry Genetics and Color Diagnostics, LLC DBA Color Health).